The following is an entry in ClinVar:

ClinVar aggregate classification (germline): Uncertain significance (1 of 4 stars; one submission).

Conditions:
Mowat-Wilson syndrome (MOWS). Also called: Classic Mowat-Wilson Syndrome. Identifiers: Orphanet 2152, MedGen C1856113, MONDO:0009341, OMIM 235730.

Allele frequency attached by ClinVar (database versions not stated): gnomAD exomes below 0.00001.
gnomAD v4.1: 1 of 1,613,838 alleles (0.000062%); highest among the groups gnomAD compares: South Asian, 0.0011%; no homozygotes.

Submission:

Labcorp Genetics (formerly Invitae), Labcorp
Classification: Uncertain significance for Mowat-Wilson syndrome. Last evaluated: 2022-08-16. Review status: criteria provided, single submitter. Criteria: Invitae Variant Classification Sherloc (09022015). Collection method: clinical testing. Allele origin: germline.
Comment: Algorithms developed to predict the effect of missense changes on protein structure and function (SIFT, PolyPhen-2, Align-GVGD) all suggest that this variant is likely to be tolerated. This variant has not been reported in the literature in individuals affected with ZEB2-related conditions. This variant is present in population databases (no rsID available, gnomAD 0.003%). In summary, the available evidence is currently insufficient to determine the role of this variant in disease. Therefore, it has been classified as a Variant of Uncertain Significance. This sequence change replaces proline, which is neutral and non-polar, with leucine, which is neutral and non-polar, at codon 55 of the ZEB2 protein (p.Pro55Leu).

NM_014795.4(ZEB2):c.164C>T (p.Pro55Leu)

Gene: ZEB2 (zinc finger E-box binding homeobox 2; minus strand). Cytogenetic location: 2q22.3.
Variant type: single nucleotide variant.
Coding change: c.164C>T on transcript NM_014795.4 (MANE Select); coding-DNA position 164, C replaced by T.
Protein change: p.Pro55Leu; replaces proline 55 with leucine.
Molecular consequence: missense variant.
Genome position (GRCh38, 1-based): chr2:144,429,936, G>A on the plus strand (C>T on the coding strand, the complement: ZEB2 is on the minus strand). VCF-style: chr2-144429936-G-A. GRCh37 (hg19) VCF-style: chr2-145187503-G-A.
Other names: c.164C>T, p.Pro55Leu (NM_001171653.2); short protein forms P55L.
Identifiers: ClinVar variation 2063875 (VCV002063875.4), dbSNP rs1236446530, ClinGen allele CA348718926.